The following is an entry in ClinVar:

NM_006796.3(AFG3L2):c.1177T>C (p.Phe393Leu)

Gene: AFG3L2 (AFG3 like matrix AAA peptidase subunit 2; minus strand). Cytogenetic location: 18p11.21.
Variant type: single nucleotide variant.
Coding change: c.1177T>C on transcript NM_006796.3 (MANE Select); coding-DNA position 1177, T replaced by C.
Protein change: p.Phe393Leu; replaces phenylalanine 393 with leucine.
Molecular consequence: missense variant.
Genome position (GRCh38, 1-based): chr18:12,353,146, A>G on the plus strand (T>C on the coding strand, the complement: AFG3L2 is on the minus strand). VCF-style: chr18-12353146-A-G. GRCh37 (hg19) VCF-style: chr18-12353145-A-G.
Other names: short protein forms F393L.
Identifiers: ClinVar variation 2684344 (VCV002684344.1), dbSNP rs1908374299, ClinGen allele CA401953020.
Genomic context (GRCh38, chr18:12,353,146, plus strand): 5'-CCACCGCATCGATTTCATCGATGAAGAGGATGCAAGGGGCATTCTTCCGAGCAAGGGCAA[A>G]TAAGTCTCGGACCTTGGCAAAAACAGAAAGAGAGTCACCTGACCAGAGAATATTATGTAT-3'
Protein context (NP_006787.2, residues 383-403): GVGPARVRDL[Phe393Leu]ALARKNAPCI

ClinVar aggregate classification (germline): Uncertain significance (1 of 4 stars; one submission).

Allele frequency attached by ClinVar (database versions not stated): gnomAD 0.00001; gnomAD exomes 0.00001.

Submission:

Athena Diagnostics
Classification: Uncertain significance. Last evaluated: 2023-04-25. Review status: criteria provided, single submitter. Criteria: Athena Diagnostics Criteria. Collection method: clinical testing. Allele origin: unknown.
Comment: Available data are insufficient to determine the clinical significance of the variant at this time. The frequency of this variant in the general population is uninformative in assessment of its pathogenicity. Computational tools predict that this variant is damaging. This variant has been seen where an alternate explanation for disease was also identified, suggesting this variant may not cause disease.

Literature cited by the submitters: PubMed 32807182.